The following is an entry in ClinVar:

NM_006904.7(PRKDC):c.6221C>T (p.Pro2074Leu)

Gene: PRKDC (protein kinase, DNA-activated, catalytic subunit; minus strand). Cytogenetic location: 8q11.21.
Variant type: single nucleotide variant.
Coding change: c.6221C>T on transcript NM_006904.7 (MANE Select); coding-DNA position 6221, C replaced by T.
Protein change: p.Pro2074Leu; replaces proline 2074 with leucine.
Molecular consequence: missense variant.
Genome position (GRCh38, 1-based): chr8:47,858,973, G>A on the plus strand (C>T on the coding strand, the complement: PRKDC is on the minus strand). VCF-style: chr8-47858973-G-A. GRCh37 (hg19) VCF-style: chr8-48771534-G-A.
Other names: c.6221C>T, p.Pro2074Leu (NM_001081640.2); short protein forms P2074L.
Identifiers: ClinVar variation 3425377 (VCV003425377.1).

ClinVar aggregate classification (germline): Uncertain significance (1 of 4 stars; one submission).

Submission:

Ambry Genetics
Classification: Uncertain significance. Last evaluated: 2024-10-29. Review status: criteria provided, single submitter. Criteria: Ambry Variant Classification Scheme 2023. Collection method: clinical testing. Allele origin: germline.
Comment: The p.P2074L variant (also known as c.6221C>T), located in coding exon 47 of the PRKDC gene, results from a C to T substitution at nucleotide position 6221. The proline at codon 2074 is replaced by leucine, an amino acid with similar properties. This amino acid position is conserved. Based on the available evidence, the clinical significance of this variant remains unclear.